The following is an entry in ClinVar:

ClinVar aggregate classification (germline): Uncertain significance. Review status: criteria provided, multiple submitters, no conflicts (2 of 4 stars). 3 submissions from 3 submitters: Uncertain significance (2). 1 of the submissions does not count toward it. Last evaluated 2024-09-20.

Conditions:
Hemolytic anemia. Identifiers: MedGen C0002878, MONDO:0003664, HP:0001878.
Pyruvate kinase deficiency of red cells (CNSHA2). Also called: Pyruvate kinase deficiency, Amish type; PK DEFICIENCY; PYRUVATE KINASE DEFICIENCY OF ERYTHROCYTE. Identifiers: Orphanet 766, MedGen C0340968, MONDO:0009950, OMIM 266200.

Allele frequency attached by ClinVar (database versions not stated): TOPMed below 0.00001; gnomAD 0.00001; gnomAD exomes 0.00002 and 0.00004; ExAC 0.00005.

Submissions (3):

Clinical Genomics Laboratory, Washington University in St. Louis
Classification: Uncertain significance for Pyruvate kinase deficiency of red cells. Last evaluated: 2024-09-20. Review status: criteria provided, single submitter. Criteria: ACMG Guidelines, 2015. Collection method: clinical testing. Allele origin: germline.
Comment: The PKLR c.1291G>A (p.Ala431Thr) variant has been reported in an individual with pyruvate kinase deficiency and was confirmed in trans with a likely pathogenic missense variant (Zarza R et al., PMID: 9827908). This variant is only observed on 10/282,862 alleles in the general population (gnomAD v.2.1.1), indicating it is not a common variant. Computational predictors indicate that the variant is damaging, evidence that correlates with impact on PKLR function. This variant has been reported in the ClinVar database as a germline variant of uncertain significance by one submitter. Due to limited information, and based on ACMG/AMP guidelines for variant interpretation (Richards S et al., PMID: 25741868), the clinical significance of this variant is uncertain at this time.

Labcorp Genetics (formerly Invitae), Labcorp
Classification: Uncertain significance. Last evaluated: 2022-09-27. Review status: criteria provided, single submitter. Criteria: Invitae Variant Classification Sherloc (09022015). Collection method: clinical testing. Allele origin: germline.
Comment: In summary, the available evidence is currently insufficient to determine the role of this variant in disease. Therefore, it has been classified as a Variant of Uncertain Significance. Advanced modeling of protein sequence and biophysical properties (such as structural, functional, and spatial information, amino acid conservation, physicochemical variation, residue mobility, and thermodynamic stability) performed at Invitae indicates that this missense variant is not expected to disrupt PKLR protein function. ClinVar contains an entry for this variant (Variation ID: 812888). This missense change has been observed in individual(s) with pyruvate kinase deficiency (PMID: 9827908). This variant is present in population databases (rs762591322, gnomAD 0.02%). This sequence change replaces alanine, which is neutral and non-polar, with threonine, which is neutral and polar, at codon 431 of the PKLR protein (p.Ala431Thr).

NIHR Bioresource Rare Diseases, University of Cambridge
Classification: Likely pathogenic for Hemolytic anemia. Review status: no assertion criteria provided. Collection method: research. Allele origin: unknown. Affected: yes. Observed: 1 variant allele. Not counted in ClinVar's aggregate classification.

Literature cited by the submitters: PubMed 9827908 (cited by Labcorp Genetics (formerly Invitae), Labcorp); PubMed 32581362 (cited by NIHR Bioresource Rare Diseases, University of Cambridge).

NM_000298.6(PKLR):c.1291G>A (p.Ala431Thr)

Gene: PKLR (pyruvate kinase L/R; minus strand). Cytogenetic location: 1q22.
Variant type: single nucleotide variant.
Coding change: c.1291G>A on transcript NM_000298.6 (MANE Select); coding-DNA position 1291, G replaced by A.
Protein change: p.Ala431Thr; replaces alanine 431 with threonine.
Molecular consequence: missense variant.
Genome position (GRCh38, 1-based): chr1:155,293,322, C>T on the plus strand (G>A on the coding strand, the complement: PKLR is on the minus strand). VCF-style: chr1-155293322-C-T. GRCh37 (hg19) VCF-style: chr1-155263113-C-T.
Other names: c.1198G>A, p.Ala400Thr (NM_181871.4); short protein forms A400T, A431T.
Identifiers: ClinVar variation 812888 (VCV000812888.7), dbSNP rs762591322, ClinGen allele CA1144041.
Genomic context (GRCh38, chr1:155,293,322, plus strand): 5'-GATCACGGCTTAGTGGCGCTGCCCGACGTAGCTCCTCAAACAGCTGCCGGTGGTACACTG[C>T]GGCCTCTGCCTCCCGGGCAATCTGCAGGTGCCAGAATGTTAGTCTGGGAAGGGGCACTGG-3'
Protein context (NP_000289.1, residues 421-441): QHAIAREAEA[Ala431Thr]VYHRQLFEEL